The following is an entry in ClinVar:

ClinVar aggregate classification (germline): Uncertain significance (1 of 4 stars; one submission).

Conditions:
Saldino-Mainzer syndrome (SRTD9). Also called: CONORENAL SYNDROME; Renal dysplasia, retinal pigmentary dystrophy, cerebellar ataxia and skeletal dysplasia; short-rib thoracic dysplasia 9 with or without polydactyly; SHORT-RIB THORACIC DYSPLASIA 9 WITHOUT POLYDACTYLY. Identifiers: Orphanet 140969, MedGen C1849437, MONDO:0009964, OMIM 266920.

Submission:

Labcorp Genetics (formerly Invitae), Labcorp
Classification: Uncertain significance for Saldino-Mainzer syndrome. Last evaluated: 2020-03-12. Review status: criteria provided, single submitter. Criteria: Invitae Variant Classification Sherloc (09022015). Collection method: clinical testing. Allele origin: germline.
Comment: In summary, the available evidence is currently insufficient to determine the role of this variant in disease. Therefore, it has been classified as a Variant of Uncertain Significance. Algorithms developed to predict the effect of missense changes on protein structure and function (SIFT, PolyPhen-2, Align-GVGD) all suggest that this variant is likely to be tolerated, but these predictions have not been confirmed by published functional studies and their clinical significance is uncertain. This variant has not been reported in the literature in individuals with IFT140-related conditions. This variant is not present in population databases (ExAC no frequency). This sequence change replaces glutamine with histidine at codon 1393 of the IFT140 protein (p.Gln1393His). The glutamine residue is weakly conserved and there is a small physicochemical difference between glutamine and histidine.

NM_014714.4(IFT140):c.4179G>C (p.Gln1393His)

Gene: IFT140 (intraflagellar transport 140; minus strand). Cytogenetic location: 16p13.3.
Variant type: single nucleotide variant.
Coding change: c.4179G>C on transcript NM_014714.4 (MANE Select); coding-DNA position 4179, G replaced by C.
Protein change: p.Gln1393His; replaces glutamine 1393 with histidine.
Molecular consequence: missense variant.
Genome position (GRCh38, 1-based): chr16:1,518,219, C>G on the plus strand (G>C on the coding strand, the complement: IFT140 is on the minus strand). VCF-style: chr16-1518219-C-G. GRCh37 (hg19) VCF-style: chr16-1568220-C-G.
Other names: short protein forms Q1393H.
Identifiers: ClinVar variation 1044875 (VCV001044875.8), dbSNP rs2040419700, ClinGen allele CA394223546.